The following is an entry in ClinVar:

NM_000077.5(CDKN2A):c.458-9C>T

Gene: CDKN2A (cyclin dependent kinase inhibitor 2A; minus strand). Cytogenetic location: 9p21.3.
Variant type: single nucleotide variant.
Coding change: c.458-9C>T on transcript NM_000077.5 (MANE Select); 9 bases into the intron before coding-DNA position 458, C replaced by T.
Molecular consequence: intron variant.
Genome position (GRCh38, 1-based): chr9:21,968,251, G>A on the plus strand (C>T on the coding strand, the complement: CDKN2A is on the minus strand). VCF-style: chr9-21968251-G-A. GRCh37 (hg19) VCF-style: chr9-21968250-G-A.
Other names: c.305-9C>T (NM_001363763.2); c.*102-9C>T (NM_058195.4); c.*151-9C>T (NM_001195132.2); c.*381-9C>T (NM_058197.5).
Identifiers: ClinVar variation 463506 (VCV000463506.10), dbSNP rs1167368771, ClinGen allele CA658656020.

ClinVar aggregate classification (germline): Likely benign. Review status: criteria provided, multiple submitters, no conflicts (2 of 4 stars). 3 submissions from 3 submitters: Likely benign (3). Last evaluated 2025-08-19.

Conditions:
Familial melanoma. Also called: Hereditary melanoma; Hereditary cutaneous melanoma. Identifiers: Orphanet 618, MedGen C1512419, MONDO:0018961.
Hereditary cancer-predisposing syndrome. Also called: Neoplastic Syndromes, Hereditary; Hereditary Cancer Syndrome; Tumor predisposition; Hereditary neoplastic syndrome. Identifiers: Orphanet 140162, MedGen C0027672, MeSH D009386, MONDO:0015356.
Melanoma-pancreatic cancer syndrome. Identifiers: Orphanet 404560, MedGen C1838547, MONDO:0011713, OMIM 606719. Disease mechanism: loss of function.

Allele frequency attached by ClinVar (database versions not stated): TOPMed below 0.00001; gnomAD 0.00001.
gnomAD v4.1: 1 of 1,613,730 alleles (0.000062%); highest among the groups gnomAD compares: African/African-American, 0.0013%; no homozygotes.

Submissions (3):

Myriad Genetics, Inc.
Classification: Likely benign for Melanoma-pancreatic cancer syndrome. Last evaluated: 2025-08-19. Review status: criteria provided, single submitter. Criteria: Myriad Autosomal Dominant, Autosomal Recessive and X-Linked Classification Criteria (2023). Collection method: clinical testing. Allele origin: unknown.
Comment: This variant is considered likely benign. This variant is intronic and is not expected to impact mRNA splicing.

Labcorp Genetics (formerly Invitae), Labcorp
Classification: Likely benign for Familial melanoma. Last evaluated: 2025-02-07. Review status: criteria provided, single submitter. Criteria: Invitae Variant Classification Sherloc (09022015). Collection method: clinical testing. Allele origin: germline.

Color Diagnostics, LLC DBA Color Health
Classification: Likely benign for Hereditary cancer-predisposing syndrome. Last evaluated: 2024-06-18. Review status: criteria provided, single submitter. Criteria: ACMG Guidelines, 2015. Collection method: clinical testing. Allele origin: germline.